The following is an entry in ClinVar:

NM_001257180.2(SLC20A2):c.1033C>T (p.His345Tyr)

Gene: SLC20A2 (solute carrier family 20 member 2; minus strand). Cytogenetic location: 8p11.21.
Variant type: single nucleotide variant.
Coding change: c.1033C>T on transcript NM_001257180.2 (MANE Select); coding-DNA position 1033, C replaced by T.
Protein change: p.His345Tyr; replaces histidine 345 with tyrosine.
Molecular consequence: missense variant.
Genome position (GRCh38, 1-based): chr8:42,437,479, G>A on the plus strand (C>T on the coding strand, the complement: SLC20A2 is on the minus strand). VCF-style: chr8-42437479-G-A. GRCh37 (hg19) VCF-style: chr8-42294997-G-A.
Other names: c.1033C>T, p.His345Tyr (NM_001257181.2, NM_006749.5); short protein forms H345Y.
Identifiers: ClinVar variation 1524789 (VCV001524789.6), dbSNP rs2131007868, ClinGen allele CA371097560.

ClinVar aggregate classification (germline): Uncertain significance (1 of 4 stars; one submission).

Submission:

Labcorp Genetics (formerly Invitae), Labcorp
Classification: Uncertain significance. Last evaluated: 2022-11-01. Review status: criteria provided, single submitter. Criteria: Invitae Variant Classification Sherloc (09022015). Collection method: clinical testing. Allele origin: germline.
Comment: This sequence change replaces histidine, which is basic and polar, with tyrosine, which is neutral and polar, at codon 345 of the SLC20A2 protein (p.His345Tyr). In summary, the available evidence is currently insufficient to determine the role of this variant in disease. Therefore, it has been classified as a Variant of Uncertain Significance. Advanced modeling of protein sequence and biophysical properties (such as structural, functional, and spatial information, amino acid conservation, physicochemical variation, residue mobility, and thermodynamic stability) performed at Invitae indicates that this missense variant is not expected to disrupt SLC20A2 protein function. ClinVar contains an entry for this variant (Variation ID: 1524789). This variant has not been reported in the literature in individuals affected with SLC20A2-related conditions. This variant is not present in population databases (gnomAD no frequency).